The following is an entry in ClinVar:

NM_000053.4(ATP7B):c.2310dup (p.Phe771fs)

Gene: ATP7B (ATPase copper transporting beta; minus strand). Cytogenetic location: 13q14.3.
Variant type: Duplication.
Coding change: c.2310dup on transcript NM_000053.4 (MANE Select); coding-DNA position 2310, one base duplicated (C; older notation c.2310dupC).
Protein change: p.Phe771fs; shifts the reading frame from phenylalanine 771.
Molecular consequence: frameshift variant. On other transcripts: intron variant (14).
Genome position (GRCh38, 1-based): chr13:51,958,356, G duplicated on the plus strand (C on the coding strand, the reverse complement: ATP7B is on the minus strand). VCF-style (leftmost placement, unchanged base first): chr13-51958355-A-AG. GRCh37 (hg19) VCF-style: chr13-52532491-A-AG.
Other names: c.2122-749dup (NM_001406528.1, NM_001406534.1, NM_001406538.1 and 2 more transcripts); c.1286-8195dup (NM_001406548.1); c.1708-749dup (NM_001406547.1, NM_001406545.1); c.1870-749dup (NM_001005918.3, NM_001406546.1, NM_001406542.1 and 1 more transcripts); c.1774-749dup (NM_001406544.1); c.2026-749dup (NM_001406536.1); c.2070dup, p.Phe691fs (NM_001406530.1); c.2058dup, p.Phe687fs (NM_001406531.1, NM_001406532.1, NM_001406540.1 and 1 more transcripts); and 8 more; short protein forms F655fs, F691fs, F723fs, F660fs, F739fs, F687fs, F760fs, F771fs.
Identifiers: ClinVar variation 2711723 (VCV002711723.3), dbSNP rs2547714850, ClinGen allele CA2697551867.

ClinVar aggregate classification (germline): Pathogenic (1 of 4 stars; one submission).

Conditions:
Wilson disease (WND). Also called: Wilson's disease. Identifiers: Orphanet 905, MedGen C0019202, MONDO:0010200, OMIM 277900. Disease mechanism: loss of function.

Submission:

Labcorp Genetics (formerly Invitae), Labcorp
Classification: Pathogenic for Wilson disease. Last evaluated: 2023-06-11. Review status: criteria provided, single submitter. Criteria: Invitae Variant Classification Sherloc (09022015). Collection method: clinical testing. Allele origin: germline.
Comment: This sequence change creates a premature translational stop signal (p.Phe771Leufs*24) in the ATP7B gene. It is expected to result in an absent or disrupted protein product. Loss-of-function variants in ATP7B are known to be pathogenic (PMID: 10441329, 16283883). For these reasons, this variant has been classified as Pathogenic. This variant has not been reported in the literature in individuals affected with ATP7B-related conditions. This variant is not present in population databases (gnomAD no frequency).

Literature cited by the submitters: PubMed 10441329; PubMed 16283883.